The following is an entry in ClinVar:

NM_003873.7(NRP1):c.607G>A (p.Gly203Arg)

Gene: NRP1 (neuropilin 1; minus strand). Cytogenetic location: 10p11.22.
Variant type: single nucleotide variant.
Coding change: c.607G>A on transcript NM_003873.7 (MANE Select); coding-DNA position 607, G replaced by A.
Protein change: p.Gly203Arg; replaces glycine 203 with arginine.
Molecular consequence: missense variant. On other transcripts: non-coding transcript variant (1).
Genome position (GRCh38, 1-based): chr10:33,263,697, C>T on the plus strand (G>A on the coding strand, the complement: NRP1 is on the minus strand). VCF-style: chr10-33263697-C-T. GRCh37 (hg19) VCF-style: chr10-33552625-C-T.
Other names: c.607G>A, p.Gly203Arg (NM_001024628.3, NM_001024629.3, NM_001244972.2 and 2 more transcripts); short protein forms G203R.
Identifiers: ClinVar variation 4977459 (VCV004977459.1).

ClinVar aggregate classification (germline): Uncertain significance (1 of 4 stars; one submission).

Conditions:
NRP1-related disorder. Also called: NRP1-related condition.

gnomAD v4.1: 12 of 1,613,978 alleles (0.00074%); highest among the groups gnomAD compares: African/African-American, 0.013%; no homozygotes.

Submission:

PreventionGenetics, part of Exact Sciences
Classification: Uncertain significance for NRP1-related condition. Last evaluated: 2025-07-23. Review status: criteria provided, single submitter. Criteria: ACMG Guidelines, 2015. Collection method: clinical testing. Allele origin: germline.
Comment: The NRP1 c.607G>A variant is predicted to result in the amino acid substitution p.Gly203Arg. To our knowledge, this variant has not been reported in the literature. This variant is reported in 0.0080% of alleles in individuals of African descent in gnomAD. At this time, the clinical significance of this variant is uncertain due to the absence of conclusive functional and genetic evidence.